The following is an entry in ClinVar:

ClinVar aggregate classification (germline): Benign/Likely benign. Review status: criteria provided, multiple submitters, no conflicts (2 of 4 stars). 7 submissions from 7 submitters: Benign (6); Likely benign (1). Last evaluated 2026-02-04.

Conditions:
Autosomal recessive nonsyndromic hearing loss 28. Identifiers: Orphanet 90636, MedGen C1853276, MONDO:0012355, OMIM 609823.

Submissions (7):

Labcorp Genetics (formerly Invitae), Labcorp
Classification: Benign. Last evaluated: 2026-02-04. Review status: criteria provided, single submitter. Criteria: Invitae Variant Classification Sherloc (09022015). Collection method: clinical testing. Allele origin: germline.

Blueprint Genetics
Classification: Likely benign. Last evaluated: 2024-11-28. Review status: criteria provided, single submitter. Criteria: ACMG Guidelines, 2015. Collection method: clinical testing. Allele origin: germline.

Genome-Nilou Lab
Classification: Benign for Autosomal recessive nonsyndromic hearing loss 28. Last evaluated: 2021-09-10. Review status: criteria provided, single submitter. Criteria: ACMG Guidelines, 2015. Collection method: clinical testing. Allele origin: germline. Affected: no.

Mayo Clinic Laboratories, Mayo Clinic
Classification: Benign. Last evaluated: 2020-07-02. Review status: criteria provided, single submitter. Criteria: ACMG Guidelines, 2015. Collection method: clinical testing. Allele origin: germline. Observed: 68 variant alleles.

Mendelics
Classification: Benign for Autosomal recessive nonsyndromic hearing loss 28. Last evaluated: 2019-05-28. Review status: criteria provided, single submitter. Criteria: Mendelics Assertion Criteria 2017. Collection method: clinical testing. Allele origin: unknown.

GeneDx
Classification: Benign. Last evaluated: 2019-01-10. Review status: criteria provided, single submitter. Criteria: GeneDx Variant Classification Process June 2021. Collection method: clinical testing. Allele origin: germline. Affected: yes.
Comment: This variant is associated with the following publications: (PMID: 30245029, 16385457, 25528277)

Eurofins Ntd Llc (ga)
Classification: Benign. Last evaluated: 2015-05-20. Review status: criteria provided, single submitter. Criteria: EGL Classification Definitions 2015. Collection method: clinical testing. Allele origin: germline.

NM_001039141.3(TRIOBP):c.1193_1195del (p.Gln398del)

Gene: TRIOBP (TRIO and F-actin binding protein; plus strand). Cytogenetic location: 22q13.1.
Variant type: Deletion.
Coding change: c.1193_1195del on transcript NM_001039141.3 (MANE Select); coding-DNA positions 1193 to 1195, 3 bases deleted (AAC; older notation c.1193_1195delAAC).
Protein change: p.Gln398del; deletes glutamine 398.
Molecular consequence: inframe deletion.
Genome position (GRCh38, 1-based): chr22:37,723,749-37,723,751, AAC deleted; deleting any 3 consecutive bases within chr22:37,723,748-37,723,751 gives the same sequence; the c. name uses the placement nearest the transcript's 3' end. VCF-style (leftmost placement, unchanged base first): chr22-37723747-TCAA-T. GRCh37 (hg19) VCF-style: chr22-38119754-TCAA-T.
Other names: p.Gln398del; c.1193_1195delAAC (NM_001039141.2); short protein forms Q398del.
Identifiers: ClinVar variation 198447 (VCV000198447.21), dbSNP rs55745992, ClinGen allele CA203451.